The following is an entry in ClinVar:

ClinVar aggregate classification (germline): Uncertain significance (1 of 4 stars; one submission).

Submission:

Labcorp Genetics (formerly Invitae), Labcorp
Classification: Uncertain significance. Last evaluated: 2022-05-08. Review status: criteria provided, single submitter. Criteria: Invitae Variant Classification Sherloc (09022015). Collection method: clinical testing. Allele origin: germline.
Comment: In summary, the available evidence is currently insufficient to determine the role of this variant in disease. Therefore, it has been classified as a Variant of Uncertain Significance. Algorithms developed to predict the effect of missense changes on protein structure and function are either unavailable or do not agree on the potential impact of this missense change (SIFT: "Tolerated"; PolyPhen-2: "Not Available"; Align-GVGD: "Class C0"). This variant has not been reported in the literature in individuals affected with CYFIP2-related conditions. This variant is not present in population databases (gnomAD no frequency). This sequence change replaces alanine, which is neutral and non-polar, with proline, which is neutral and non-polar, at codon 1072 of the CYFIP2 protein (p.Ala1072Pro).

NM_001037333.3(CYFIP2):c.3214G>C (p.Ala1072Pro)

Genes: CYFIP2 (cytoplasmic FMR1 interacting protein 2; plus strand), NIPAL4-DT (NIPAL4 divergent transcript; minus strand). Cytogenetic location: 5q33.3.
Variant type: single nucleotide variant.
Coding change: c.3214G>C on transcript NM_001037333.3 (MANE Select); coding-DNA position 3214, G replaced by C.
Protein change: p.Ala1072Pro; replaces alanine 1072 with proline.
Molecular consequence: missense variant.
Genome position (GRCh38, 1-based): chr5:157,389,195, G>C. VCF-style: chr5-157389195-G-C. GRCh37 (hg19) VCF-style: chr5-156816203-G-C.
Other names: c.3136G>C, p.Ala1046Pro (NM_001291721.2); c.3289G>C, p.Ala1097Pro (NM_001291722.2); c.3214G>C, p.Ala1072Pro (NM_014376.4); short protein forms A1046P, A1072P, A1097P.
Identifiers: ClinVar variation 2135474 (VCV002135474.4), dbSNP rs763134967, ClinGen allele CA361981869.
Genomic context (GRCh38, chr5:157,389,195, plus strand): 5'-GGCAGATGGGCTCTAAGATGTGGATAGAAGGTGTATGTGCCCTTCTGTTTCCAGCAAATC[G>C]CCATTGCTCGCGAGGGTGACCTCCTGACCAAGGAGCGGCTGTGCTGTGGCCTGTCCATGT-3'
Protein context (NP_001032410.1, residues 1062-1082): IERLGTPQQI[Ala1072Pro]IAREGDLLTK